The following is an entry in ClinVar:

ClinVar aggregate classification (germline): Pathogenic/Likely pathogenic. Review status: criteria provided, multiple submitters, no conflicts (2 of 4 stars). 7 submissions from 7 submitters: Pathogenic (2); Likely pathogenic (5). Last evaluated 2025-04-10.

Conditions:
Polycystic kidney disease, adult type (PKD1). Also called: Polycystic Kidney Disease 1, Autosomal Dominant; Polycystic kidney disease 1; Polycystic kidney disease 1, severe; POLYCYSTIC KIDNEY DISEASE, ADULT, TYPE I; Polycystic Kidney, Autosomal Dominant; POLYCYSTIC KIDNEY DISEASE 1 WITH OR WITHOUT POLYCYSTIC LIVER DISEASE. Identifiers: MedGen C3149841, MONDO:0008263, OMIM 173900.
PKD1-related disorder. Also called: PKD1-related condition.

Submissions (7):

Victorian Clinical Genetics Services, Murdoch Childrens Research Institute
Classification: Pathogenic for Polycystic kidney disease, adult type. Last evaluated: 2025-04-10. Review status: criteria provided, single submitter. Criteria: ACMG Guidelines, 2015. Collection method: clinical testing. Allele origin: germline. Affected: yes.
Comment: This variant is classified as Pathogenic. Evidence in support of pathogenic classification: In-frame insertion/deletion in a non-repetitive region that has high conservation; Variant is absent from gnomAD (both v2 and v3); This variant has strong previous evidence of pathogenicity in unrelated individuals. It has been reported in at least five probands with autosomal dominant polycystic kidney disease, including familial cases (PMIDs: 33168999, 31740684, 27499327, 23300259, 11571556). Additional information: This variant is heterozygous; This gene is associated with autosomal dominant disease. Polycystic kidney disease 1 (MIM#173900) is predominantly caused by monoallelic variants, with rare reports of biallelic variants causing disease (OMIM); No published functional evidence has been identified for this variant; No comparable missense variants have previous evidence for pathogenicity; Variant is located in the annotated REJ domain (DECIPHER); Loss of function is a known mechanism of disease in this gene and is associated with polycystic kidney disease 1 (MIM#173900); Inheritance information for this variant is not currently available in this individual.

GeneDx
Classification: Pathogenic. Last evaluated: 2024-11-10. Review status: criteria provided, single submitter. Criteria: GeneDx Variant Classification Process June 2021. Collection method: clinical testing. Allele origin: germline.
Comment: In-frame deletion of 1 amino acid(s) in a non-repeat region; Not observed at significant frequency in large population cohorts (gnomAD); In silico analysis supports a deleterious effect on protein structure/function; This variant is associated with the following publications: (PMID: 11571556, 31740684, 26823553, 33168999, 27499327, 23300259)

Fulgent Genetics
Classification: Likely pathogenic for Polycystic kidney disease, adult type. Last evaluated: 2024-05-29. Review status: criteria provided, single submitter. Criteria: ACMG Guidelines, 2015. Collection method: clinical testing. Allele origin: germline.

Department of Pathology and Laboratory Medicine, Sinai Health System
Classification: Likely pathogenic for Polycystic kidney disease, adult type. Last evaluated: 2023-06-16. Review status: criteria provided, single submitter. Criteria: ACMG Guidelines, 2015. Collection method: clinical testing. Allele origin: germline. Affected: yes.

PreventionGenetics, part of Exact Sciences
Classification: Likely pathogenic for PKD1-related condition. Last evaluated: 2023-03-10. Review status: criteria provided, single submitter. Criteria: ACMG Guidelines, 2015. Collection method: clinical testing. Allele origin: germline.
Comment: The PKD1 c.7837_7839delTTG variant is predicted to result in an in-frame deletion (p.Leu2613del). This variant has been reported in different studies of patients with autosomal dominant polycystic kidney disease (ADPKD) (Bouba et al. 2001. PubMed ID: 11571556; Table S2 - Kim et al. 2019. PubMed ID: 31740684; Table S2 - Heyer et al. 2016. PubMed ID: 26823553; Durkie et al. 2020. PubMed ID: 33168999). Of note, in-frame small deletions in the PKD1 gene have been commonly found to be pathogenic for ADPKD (Human Gene Mutation Database). This variant has not been reported in a large population database, indicating this variant is rare. This variant is interpreted as likely pathogenic.

Blueprint Genetics
Classification: Likely pathogenic for PKD1-related disorders. Last evaluated: 2021-06-24. Review status: criteria provided, single submitter. Criteria: ACMG Guidelines, 2015. Collection method: clinical testing. Allele origin: germline. Affected: yes. Observed: 1 variant allele.

Juno Genomics, Hangzhou Juno Genomics, Inc
Classification: Likely pathogenic for Polycystic kidney disease, adult type. Review status: criteria provided, single submitter. Criteria: ACMG Guidelines, 2015. Collection method: clinical testing. Allele origin: germline. Affected: yes.
Comment: Absent from controls (or at extremely low frequency if recessive) in Genome Aggregation Database, Exome Sequencing Project, 1000 Genomes Project, or Exome Aggregation Consortium.;Protein length changes due to in-frame deletions/insertions in a non-repeat region or stop-loss variants.;The prevalence of the variant in affected individuals is significantly increased compared to the prevalence in controls.;Co-segregation with disease in multiple affected family members in a gene definitively known to cause the disease.;Patient's phenotype or family history is highly specific for a disease with a single genetic etiology.

Literature cited by the submitters: PubMed 33168999 (cited by Victorian Clinical Genetics Services, Murdoch Childrens Research Institute); PubMed 27499327 (cited by Victorian Clinical Genetics Services, Murdoch Childrens Research Institute and Department of Pathology and Laboratory Medicine, Sinai Health System); PubMed 31740684 (cited by Victorian Clinical Genetics Services, Murdoch Childrens Research Institute); PubMed 23300259 (cited by Victorian Clinical Genetics Services, Murdoch Childrens Research Institute); PubMed 11571556 (cited by Victorian Clinical Genetics Services, Murdoch Childrens Research Institute and Department of Pathology and Laboratory Medicine, Sinai Health System).

NM_001009944.3(PKD1):c.7837_7839del (p.Leu2613del)

Gene: PKD1 (polycystin 1, transient receptor potential channel interacting; minus strand). Cytogenetic location: 16p13.3.
Variant type: Deletion.
Coding change: c.7837_7839del on transcript NM_001009944.3 (MANE Select); coding-DNA positions 7837 to 7839, 3 bases deleted (TTG; older notation c.7837_7839delTTG).
Protein change: p.Leu2613del; deletes leucine 2613.
Molecular consequence: inframe deletion. On other transcripts: inframe indel (2).
Genome position (GRCh38, 1-based): chr16:2,105,889-2,105,891, CAA deleted on the plus strand (TTG on the coding strand, the reverse complement: PKD1 is on the minus strand); deleting any 3 consecutive bases within chr16:2,105,889-2,105,892 gives the same sequence; the c. name uses the placement nearest the transcript's 3' end. VCF-style (leftmost placement, unchanged base first): chr16-2105888-CCAA-C. GRCh37 (hg19) VCF-style: chr16-2155889-CCAA-C.
Other names: c.7837_7839delTTG (NM_001009944.2); c.7837_7839del (NM_001009944.2); c.7837_7839del, p.Leu2613del (NM_000296.4); c.7836_7838delGTT, p.Leu2613del (NM_001009944.2); short protein forms L2613del.
Identifiers: ClinVar variation 2634059 (VCV002634059.11), dbSNP rs2544775052, ClinGen allele CA2573332658.